The following is an entry in ClinVar:

ClinVar aggregate classification (germline): Conflicting classifications of pathogenicity. Review status: criteria provided, conflicting classifications (1 of 4 stars). 11 submissions from 11 submitters: Uncertain significance (5); Likely benign (3). 3 of the submissions do not count toward it. Last evaluated 2025-09-23.

Conditions:
Hereditary cancer-predisposing syndrome. Also called: Tumor predisposition; Hereditary Cancer Syndrome; Hereditary neoplastic syndrome; Neoplastic Syndromes, Hereditary. Identifiers: Orphanet 140162, MedGen C0027672, MeSH D009386, MONDO:0015356.
Hereditary breast ovarian cancer syndrome. Also called: Breast and ovarian cancer; Hereditary breast and ovarian cancer syndrome; Hereditary breast and ovarian cancer; BRCA1- and BRCA2-Associated Hereditary Breast and Ovarian Cancer; Hereditary breast and ovarian cancer syndrome (HBOC); Hereditary breast and/or ovarian cancer syndrome. Identifiers: Orphanet 145, MedGen C0677776, MeSH D061325, MONDO:0003582. Disease mechanism: loss of function.
Breast-ovarian cancer, familial, susceptibility to, 2 (BROVCA2). Also called: BRCA2 Hereditary Breast and Ovarian Cancer. Identifiers: Orphanet 145, MedGen C2675520, MONDO:0012933, OMIM 612555. Disease mechanism: loss of function.

Allele frequency attached by ClinVar (database versions not stated): gnomAD exomes below 0.00001 and 0.00001.
gnomAD v4.1: 3 of 1,586,316 alleles (0.00019%); highest among the groups gnomAD compares: Non-Finnish European, 0.00026%; no homozygotes.

Submissions (11):

Color Diagnostics, LLC DBA Color Health
Classification: Uncertain significance for Hereditary cancer-predisposing syndrome. Last evaluated: 2025-09-23. Review status: criteria provided, single submitter. Criteria: ACMG Guidelines, 2015. Collection method: clinical testing. Allele origin: germline.
Comment: This missense variant replaces asparagine with threonine at codon 1706 of the BRCA2 protein. Computational prediction suggests that this variant may not impact protein structure and function. To our knowledge, functional studies have not been reported for this variant. This variant has been reported in an individual affected with ovarian cancer (PMID: 29936257) and it has been detected in a breast cancer case-control meta-analysis in 0/60466 cases and 2/53461 unaffected individuals (PMID: 33471991Leiden Open Variation Database DB-ID BRCA2_001901). Multifactorial analysis on clinical data has reached a combined likelihood ratio (LR) of 0.49 from published LR for 1 carrier (PMID: 31131967). This variant has been identified in 1/231046 chromosomes in the general population by the Genome Aggregation Database (gnomAD). The available evidence is insufficient to determine the role of this variant in disease conclusively. Therefore, this variant is classified as a Variant of Uncertain Significance.

Ambry Genetics
Classification: Uncertain significance for Hereditary cancer-predisposing syndrome. Last evaluated: 2024-11-12. Review status: criteria provided, single submitter. Criteria: Ambry Variant Classification Scheme 2023. Collection method: clinical testing. Allele origin: germline.
Comment: The p.N1706T variant (also known as c.5117A>C), located in coding exon 10 of the BRCA2 gene, results from an A to C substitution at nucleotide position 5117. The asparagine at codon 1706 is replaced by threonine, an amino acid with similar properties. This amino acid position is well conserved in available vertebrate species. In addition, this alteration is predicted to be tolerated by in silico analysis. Since supporting evidence is limited at this time, the clinical significance of this alteration remains unclear.

Labcorp Genetics (formerly Invitae), Labcorp
Classification: Likely benign for Hereditary breast ovarian cancer syndrome. Last evaluated: 2024-06-03. Review status: criteria provided, single submitter. Criteria: Invitae Variant Classification Sherloc (09022015). Collection method: clinical testing. Allele origin: germline.

All of Us Research Program, National Institutes of Health
Classification: Uncertain significance for Breast-ovarian cancer, familial, susceptibility to, 2. Last evaluated: 2023-08-15. Review status: criteria provided, single submitter. Criteria: ACMG Guidelines, 2015. Collection method: clinical testing. Allele origin: germline. Inheritance: Autosomal dominant inheritance. Observed: 2 variant alleles, 2 heterozygotes.
Comment: This missense variant replaces asparagine with threonine at codon 1706 of the BRCA2 protein. Computational prediction suggests that this variant may not impact protein structure and function (internally defined REVEL score threshold <= 0.5, PMID: 27666373). To our knowledge, functional studies have not been reported for this variant. This variant has been reported in 1 individual affected with ovarian cancer and in 2 unaffected individuals (PMID: 29936257, 33471991; Leiden Open Variation Database DB-ID BRCA2_001901). This variant has also been reported in individuals affected with breast cancer in the Leiden Open-source Variation Database (PMID: 21520333). This variant has been identified in 1/231046 chromosomes in the general population by the Genome Aggregation Database (gnomAD). The available evidence is insufficient to determine the role of this variant in disease conclusively. Therefore, this variant is classified as a Variant of Uncertain Significance.

This study involves interpretation of variants in research participants for the purpose of population health screening. Participant phenotype was not available at the time of variant classification. Additional details can be found in publication PMID: 35346344, PMCID: PMC8962531

University of Washington Department of Laboratory Medicine, University of Washington
Classification: Likely benign for Hereditary cancer-predisposing syndrome. Last evaluated: 2023-03-23. Review status: criteria provided, single submitter. Criteria: Dines et al. (Genet Med. 2020). Collection method: curation. Allele origin: germline.
Comment: Missense variant in a coldspot region where missense variants are very unlikely to be pathogenic (PMID:31911673).

BRCA2 exon 11 coldspot. Reclassification based on statistical prior probability.

Quest Diagnostics Nichols Institute San Juan Capistrano
Classification: Uncertain significance. Last evaluated: 2021-06-26. Review status: criteria provided, single submitter. Criteria: Quest Diagnostics criteria. Collection method: clinical testing. Allele origin: unknown.

GeneDx
Classification: Uncertain significance. Last evaluated: 2017-06-01. Review status: criteria provided, single submitter. Criteria: GeneDx Variant Classification (06012015). Collection method: clinical testing. Allele origin: germline. Affected: yes.
Comment: This variant is denoted BRCA2 c.5117A>C at the cDNA level, p.Asn1706Thr (N1706T) at the protein level, and results in the change of an Asparagine to a Threonine (AAT>ACT). Using alternate nomenclature, this variant would be defined as BRCA2 5345A>C. This variant has not, to our knowledge, been published in the literature as pathogenic or benign. BRCA2 Asn1706Thr was not observed in large population cohorts (NHLBI Exome Sequencing Project, The 1000 Genomes Consortium 2015, Lek 2016). Since Asparagine and Threonine share similar properties, this is considered a conservative amino acid substitution. BRCA2 Asn1706Thr occurs at a position that is not conserved and is located in the binding regions of RAD51 and POLH (Roy 2012, Buisson 2014). In silico analyses are inconsistent regarding the effect this variant may have on protein structure and function. Based on currently available evidence, it is unclear whether BRCA2 Asn1706Thr is a pathogenic or benign variant. We consider it to be a variant of uncertain significance.

Clinical Genetics DNA and cytogenetics Diagnostics Lab, Erasmus MC, Erasmus Medical Center
Classification: Likely benign for Breast-ovarian cancer, familial, susceptibility to, 2. Last evaluated: 2015-09-21. Review status: criteria provided, single submitter. Criteria: ACGS Guidelines, 2013. Collection method: clinical testing. Allele origin: germline. Affected: yes. Study: VKGL Data-share Consensus.

Clinical Genetics Laboratory, Department of Pathology, Netherlands Cancer Institute
Classification: Likely benign. Review status: no assertion criteria provided. Collection method: clinical testing. Allele origin: germline. Affected: yes. Study: VKGL Data-share Consensus. Not counted in ClinVar's aggregate classification.

Diagnostic Laboratory, Department of Genetics, University Medical Center Groningen
Classification: Likely benign for Breast-ovarian cancer, familial, susceptibility to, 2. Review status: no assertion criteria provided. Collection method: clinical testing. Allele origin: germline. Affected: yes. Study: VKGL Data-share Consensus. Not counted in ClinVar's aggregate classification.

Joint Genome Diagnostic Labs from Nijmegen and Maastricht, Radboudumc and MUMC+
Classification: Likely benign. Review status: no assertion criteria provided. Collection method: clinical testing. Allele origin: germline. Affected: yes. Study: VKGL Data-share Consensus. Not counted in ClinVar's aggregate classification.

Literature cited by the submitters: PubMed 29936257 (cited by 3 submitters); PubMed 31131967 (cited by Color Diagnostics, LLC DBA Color Health and Quest Diagnostics Nichols Institute San Juan Capistrano); PubMed 33471991 (cited by Color Diagnostics, LLC DBA Color Health and All of Us Research Program, National Institutes of Health); PubMed 21520333 (cited by All of Us Research Program, National Institutes of Health and Quest Diagnostics Nichols Institute San Juan Capistrano).

NM_000059.4(BRCA2):c.5117A>C (p.Asn1706Thr)

Gene: BRCA2 (BRCA2 DNA repair associated; plus strand). Cytogenetic location: 13q13.1.
Variant type: single nucleotide variant.
Coding change: c.5117A>C on transcript NM_000059.4 (MANE Select); coding-DNA position 5117, A replaced by C.
Protein change: p.Asn1706Thr; replaces asparagine 1706 with threonine.
Molecular consequence: missense variant.
Genome position (GRCh38, 1-based): chr13:32,339,472, A>C. VCF-style: chr13-32339472-A-C. GRCh37 (hg19) VCF-style: chr13-32913609-A-C.
Other names: p.N1706T:AAT>ACT; short protein forms N1706T.
Identifiers: ClinVar variation 182214 (VCV000182214.26), dbSNP rs730881536, ClinGen allele CA021306.